The following is an entry in ClinVar:

NM_002386.4(MC1R):c.50C>A (p.Thr17Asn)

Gene: MC1R (melanocortin 1 receptor; plus strand). Cytogenetic location: 16q24.3.
Variant type: single nucleotide variant.
Coding change: c.50C>A on transcript NM_002386.4 (MANE Select); coding-DNA position 50, C replaced by A.
Protein change: p.Thr17Asn; replaces threonine 17 with asparagine.
Molecular consequence: missense variant.
Genome position (GRCh38, 1-based): chr16:89,919,308, C>A. VCF-style: chr16-89919308-C-A. GRCh37 (hg19) VCF-style: chr16-89985716-C-A.
Other names: short protein forms T17N.
Identifiers: ClinVar variation 2986326 (VCV002986326.3), dbSNP rs746774948, ClinGen allele CA8255468.

ClinVar aggregate classification (germline): Uncertain significance (1 of 4 stars; one submission).

Conditions:
Melanoma, cutaneous malignant, susceptibility to, 5. Also called: Cutaneous malignant melanoma 5. Identifiers: Orphanet 618, MedGen C2751295, MONDO:0013133, OMIM 613099.

Allele frequency attached by ClinVar (database versions not stated): TOPMed below 0.00001; gnomAD exomes 0.00001; ExAC 0.00003.
gnomAD v4.1: 7 of 1,610,018 alleles (0.00043%); highest among the groups gnomAD compares: Admixed American, 0.012%; no homozygotes.

Submission:

Labcorp Genetics (formerly Invitae), Labcorp
Classification: Uncertain significance for Melanoma, cutaneous malignant, susceptibility to, 5. Last evaluated: 2023-02-09. Review status: criteria provided, single submitter. Criteria: Invitae Variant Classification Sherloc (09022015). Collection method: clinical testing. Allele origin: germline.
Comment: This variant is present in population databases (rs746774948, gnomAD 0.02%). This sequence change replaces threonine, which is neutral and polar, with asparagine, which is neutral and polar, at codon 17 of the MC1R protein (p.Thr17Asn). This variant has not been reported in the literature in individuals affected with MC1R-related conditions. Advanced modeling of protein sequence and biophysical properties (such as structural, functional, and spatial information, amino acid conservation, physicochemical variation, residue mobility, and thermodynamic stability) performed at Invitae indicates that this missense variant is not expected to disrupt MC1R protein function. In summary, the available evidence is currently insufficient to determine the role of this variant in disease. Therefore, it has been classified as a Variant of Uncertain Significance.